The following is an entry in ClinVar:

ClinVar aggregate classification (germline): Uncertain significance (1 of 4 stars; one submission).

gnomAD v4.1: 10 of 1,606,302 alleles (0.00062%); highest among the groups gnomAD compares: Non-Finnish European, 0.00051%; no homozygotes.

Submission:

Women's Health and Genetics/Laboratory Corporation of America, LabCorp
Classification: Uncertain significance. Last evaluated: 2026-03-09. Review status: criteria provided, single submitter. Criteria: LabCorp Variant Classification Summary - May 2015. Collection method: clinical testing. Allele origin: germline.
Comment: Variant summary: TNXB c.2882A>C (p.Gln961Pro) results in a non-conservative amino acid change in the encoded protein sequence. Algorithms developed to predict the effect of missense changes on protein structure and function are either unavailable or do not agree on the potential impact of this missense change. The variant allele was found at a frequency of 4.1e-06 in 241196 control chromosomes. The available data on variant occurrences in the general population are insufficient to allow any conclusion about variant significance. To our knowledge, no occurrence of c.2882A>C in individuals affected with TNXB-related conditions and no experimental evidence demonstrating its impact on protein function have been reported. No submitters have cited clinical-significance assessments for this variant to ClinVar. Based on the evidence outlined above, the variant was classified as uncertain significance.

NM_001365276.2(TNXB):c.2882A>C (p.Gln961Pro)

Gene: TNXB (tenascin XB; minus strand). Cytogenetic location: 6p21.33.
Variant type: single nucleotide variant.
Coding change: c.2882A>C on transcript NM_001365276.2 (MANE Select); coding-DNA position 2882, A replaced by C.
Protein change: p.Gln961Pro; replaces glutamine 961 with proline.
Molecular consequence: missense variant.
Genome position (GRCh38, 1-based): chr6:32,086,016, T>G on the plus strand (A>C on the coding strand, the complement: TNXB is on the minus strand). VCF-style: chr6-32086016-T-G. GRCh37 (hg19) VCF-style: chr6-32053793-T-G.
Other names: c.3623A>C, p.Gln1208Pro (NM_001428335.1); c.2882A>C, p.Gln961Pro (NM_019105.8); short protein forms Q1208P, Q961P.
Identifiers: ClinVar variation 4847368 (VCV004847368.1).